The following is an entry in ClinVar:

NM_000388.4(CASR):c.946G>A (p.Gly316Ser)

Gene: CASR (calcium sensing receptor; plus strand). Cytogenetic location: 3q21.1.
Variant type: single nucleotide variant.
Coding change: c.946G>A on transcript NM_000388.4 (MANE Select); coding-DNA position 946, G replaced by A.
Protein change: p.Gly316Ser; replaces glycine 316 with serine.
Molecular consequence: missense variant.
Genome position (GRCh38, 1-based): chr3:122,261,981, G>A. VCF-style: chr3-122261981-G-A. GRCh37 (hg19) VCF-style: chr3-121980828-G-A.
Other names: c.946G>A, p.Gly316Ser (NM_001178065.2); short protein forms G316S.
Identifiers: ClinVar variation 863927 (VCV000863927.14), dbSNP rs755997016, ClinGen allele CA2569565.

ClinVar aggregate classification (germline): Uncertain significance. Review status: criteria provided, multiple submitters, no conflicts (2 of 4 stars). 3 submissions from 3 submitters: Uncertain significance (3). Last evaluated 2025-02-22.

Conditions:
Familial hypocalciuric hypercalcemia (FHH). Also called: Familial benign hypercalcemia. Identifiers: Orphanet 405, MedGen C1809471, MONDO:0018458.
Autosomal dominant hypocalcemia 1 (HYPOC1). Also called: HYPOCALCEMIA, FAMILIAL. Identifiers: MedGen C3715128, MONDO:0011013, OMIM 601198.
Familial hypocalciuric hypercalcemia 1. Also called: Hypercalcemia, familial benign type 1. Identifiers: Orphanet 405, Orphanet 93372, MedGen C0342637, MONDO:0007791, OMIM 145980.
Neonatal severe primary hyperparathyroidism. Identifiers: Orphanet 417, MedGen C1832615, MONDO:0009397, OMIM 239200.
Epilepsy, idiopathic generalized, susceptibility to, 8. Identifiers: MedGen C2752062, MONDO:0013032, OMIM 612899.
Nephrolithiasis/nephrocalcinosis. Identifiers: MedGen CN580796.

Allele frequency attached by ClinVar (database versions not stated): gnomAD exomes below 0.00001; TOPMed below 0.00001; ExAC 0.00001; gnomAD 0.00001; 1000 Genomes Project 30x 0.00016.
gnomAD v4.1: 5 of 1,614,172 alleles (0.00031%); highest among the groups gnomAD compares: East Asian, 0.0022%; no homozygotes.

Submissions (3):

Ambry Genetics
Classification: Uncertain significance for Nephrolithiasis/nephrocalcinosis. Last evaluated: 2025-02-22. Review status: criteria provided, single submitter. Criteria: Ambry Variant Classification Scheme 2023. Collection method: clinical testing. Allele origin: germline.
Comment: The p.G316S variant (also known as c.946G>A), located in coding exon 3 of the CASR gene, results from a G to A substitution at nucleotide position 946. The glycine at codon 316 is replaced by serine, an amino acid with similar properties. This amino acid position is highly conserved in available vertebrate species. In addition, the in silico prediction for this alteration is inconclusive. Since supporting evidence is limited at this time, the clinical significance of this alteration remains unclear.

Fulgent Genetics
Classification: Uncertain significance for Familial hypocalciuric hypercalcemia 1; Neonatal severe primary hyperparathyroidism; Autosomal dominant hypocalcemia 1; Epilepsy, idiopathic generalized, susceptibility to, 8. Last evaluated: 2022-05-17. Review status: criteria provided, single submitter. Criteria: ACMG Guidelines, 2015. Collection method: clinical testing. Allele origin: unknown.

Labcorp Genetics (formerly Invitae), Labcorp
Classification: Uncertain significance for Familial hypocalciuric hypercalcemia; Autosomal dominant hypocalcemia 1. Last evaluated: 2019-11-18. Review status: criteria provided, single submitter. Criteria: Invitae Variant Classification Sherloc (09022015). Collection method: clinical testing. Allele origin: germline.
Comment: In summary, the available evidence is currently insufficient to determine the role of this variant in disease. Therefore, it has been classified as a Variant of Uncertain Significance. This sequence change replaces glycine with serine at codon 316 of the CASR protein (p.Gly316Ser). The glycine residue is highly conserved and there is a small physicochemical difference between glycine and serine. This variant is present in population databases (rs755997016, ExAC 0.002%). This variant has not been reported in the literature in individuals with CASR-related conditions. Algorithms developed to predict the effect of missense changes on protein structure and function (SIFT, PolyPhen-2, Align-GVGD) all suggest that this variant is likely to be tolerated, but these predictions have not been confirmed by published functional studies and their clinical significance is uncertain. Algorithms developed to predict the effect of sequence changes on RNA splicing suggest that this variant may create or strengthen a splice site, but this prediction has not been confirmed by published transcriptional studies.